The following is an entry in ClinVar:

NM_000397.4(CYBB):c.1159G>A (p.Val387Ile)

Gene: CYBB (cytochrome b-245 beta chain; plus strand). Cytogenetic location: Xp11.4.
Variant type: single nucleotide variant.
Coding change: c.1159G>A on transcript NM_000397.4 (MANE Select); coding-DNA position 1159, G replaced by A.
Protein change: p.Val387Ile; replaces valine 387 with isoleucine.
Molecular consequence: missense variant.
Genome position (GRCh38, 1-based): chrX:37,805,013, G>A. VCF-style: chrX-37805013-G-A. GRCh37 (hg19) VCF-style: chrX-37664266-G-A.
Other names: short protein forms V387I.
Identifiers: ClinVar variation 533559 (VCV000533559.15), dbSNP rs145620748, ClinGen allele CA10383847.

ClinVar aggregate classification (germline): Benign/Likely benign. Review status: criteria provided, multiple submitters, no conflicts (2 of 4 stars). 3 submissions from 3 submitters: Benign (1); Likely benign (1). 1 of the submissions does not count toward it. Last evaluated 2026-01-19.

Conditions:
CYBB-related disorder. Also called: CYBB-related condition.
Granulomatous disease, chronic, X-linked. Also called: GRANULOMATOUS DISEASE, CHRONIC, X-LINKED, SOMATIC MOSAIC; CYTOCHROME b-NEGATIVE GRANULOMATOUS DISEASE, CHRONIC, X-LINKED. Identifiers: Orphanet 379, MedGen C1844376, MONDO:0010600, OMIM 306400.

Allele frequency attached by ClinVar (database versions not stated): gnomAD exomes 0.00004 and 0.00014; ExAC 0.00024; gnomAD 0.00043 and 0.00044; ESP Exome Variant Server 0.00047; TOPMed 0.00055; 1000 Genomes Project 0.00132; 1000 Genomes Project 30x 0.00187.
gnomAD v4.1: 91 of 1,210,124 alleles (0.0075%); highest among the groups gnomAD compares: African/African-American, 0.14%; no homozygotes.

Submissions (3):

Labcorp Genetics (formerly Invitae), Labcorp
Classification: Benign for Granulomatous disease, chronic, X-linked. Last evaluated: 2026-01-19. Review status: criteria provided, single submitter. Criteria: Invitae Variant Classification Sherloc (09022015). Collection method: clinical testing. Allele origin: germline.

Blueprint Genetics
Classification: Likely benign. Last evaluated: 2021-01-22. Review status: criteria provided, single submitter. Criteria: ACMG Guidelines, 2015. Collection method: clinical testing. Allele origin: germline.

PreventionGenetics, part of Exact Sciences
Classification: Likely benign for CYBB-related condition. Last evaluated: 2023-10-16. Review status: no assertion criteria provided. Collection method: clinical testing. Allele origin: germline. Not counted in ClinVar's aggregate classification.
Comment: This variant is classified as likely benign based on ACMG/AMP sequence variant interpretation guidelines (Richards et al. 2015 PMID: 25741868, with internal and published modifications).